The following is an entry in ClinVar:

NM_001009185.3(ACSL6):c.1698C>T (p.Ile566=)

Gene: ACSL6 (acyl-CoA synthetase long chain family member 6; minus strand). Cytogenetic location: 5q31.1.
Variant type: single nucleotide variant.
Coding change: c.1698C>T on transcript NM_001009185.3 (MANE Select); coding-DNA position 1698, C replaced by T.
Protein change: p.Ile566=; no amino-acid change (isoleucine 566 retained).
Molecular consequence: synonymous variant. On other transcripts: non-coding transcript variant (3).
Genome position (GRCh38, 1-based): chr5:131,966,431, G>A on the plus strand (C>T on the coding strand, the complement: ACSL6 is on the minus strand). VCF-style: chr5-131966431-G-A. GRCh37 (hg19) VCF-style: chr5-131302124-G-A.
Other names: c.1593C>T, p.Ile531= (NM_001205247.2, NM_001405485.1, NM_001405486.1); c.1623C>T, p.Ile541= (NM_001205248.2, NM_001405479.1, NM_001405480.1 and 4 more transcripts); c.1656C>T, p.Ile552= (NM_001205250.1, NM_001405478.1); c.1398C>T, p.Ile466= (NM_001205251.2, NM_001405490.1); c.1692C>T, p.Ile564= (NM_001405475.1); c.1668C>T, p.Ile556= (NM_001405476.1); c.1662C>T, p.Ile554= (NM_001405477.1); c.1518C>T, p.Ile506= (NM_001405487.1, NM_001405488.1, NM_001405489.1); and 1 more.
Identifiers: ClinVar variation 3039632 (VCV003039632.2), dbSNP rs73264077, ClinGen allele CA3401222.

ClinVar aggregate classification (germline): Benign (0 of 4 stars; one submission).

Conditions:
ACSL6-related disorder. Also called: ACSL6-related condition.

Allele frequency attached by ClinVar (database versions not stated): ExAC 0.00063; 1000 Genomes Project 0.00180; gnomAD 0.00180; ESP Exome Variant Server 0.00185; 1000 Genomes Project 30x 0.00187; TOPMed 0.00211.
gnomAD v4.1: 552 of 1,614,118 alleles (0.034%); highest among the groups gnomAD compares: African/African-American, 0.63%; 1 homozygote.

Submission:

PreventionGenetics, part of Exact Sciences
Classification: Benign for ACSL6-related condition. Last evaluated: 2019-10-28. Review status: no assertion criteria provided. Collection method: clinical testing. Allele origin: germline.
Comment: This variant is classified as benign based on ACMG/AMP sequence variant interpretation guidelines (Richards et al. 2015 PMID: 25741868, with internal and published modifications).